The following is an entry in ClinVar:

NM_000518.5(HBB):c.135del (p.Phe46fs)

Genes: HBB (hemoglobin subunit beta; minus strand), LOC106099062 (HBB recombination region; plus strand), LOC107133510 (origin of replication at HBB; plus strand). Cytogenetic location: 11p15.4.
Variant type: Deletion.
Coding change: c.135del on transcript NM_000518.5 (MANE Select); coding-DNA position 135, one base deleted (C; older notation c.135delC).
Protein change: p.Phe46fs; shifts the reading frame from phenylalanine 46.
Molecular consequence: frameshift variant.
Genome position (GRCh38, 1-based): chr11:5,226,757, G deleted on the plus strand (C on the coding strand, the reverse complement: HBB is on the minus strand); the first of 2 consecutive G bases (chr11:5,226,757-5,226,758); deleting either gives the same sequence. VCF-style (leftmost placement, unchanged base first): chr11-5226756-AG-A. GRCh37 (hg19) VCF-style: chr11-5247986-AG-A.
Other names: cd44-C; CD 44 -C; c.135delC (NM_000518.5); short protein forms F46fs.
Identifiers: ClinVar variation 15415 (VCV000015415.135), dbSNP rs80356820, ClinGen allele CA125281.

ClinVar aggregate classification (germline): Pathogenic/Likely pathogenic. Review status: criteria provided, multiple submitters, no conflicts (2 of 4 stars). 20 submissions from 20 submitters: Pathogenic (15); Likely pathogenic (1). 4 of the submissions do not count toward it. Last evaluated 2025-11-05.

Conditions:
Beta-thalassemia HBB/LCRB. Identifiers: MedGen CN322236, MONDO:0013517, OMIM 613985.
METHEMOGLOBINEMIA, BETA TYPE. Also called: Methemoglobinemia, beta-globin type. Identifiers: MedGen C1840779, OMIM 617971.
Hb SS disease (SCD). Also called: Sickle cell anemia; Sickle cell disease; HbS disease; Hemoglobin S Disease; Sickling disorder due to hemoglobin S; Hemoglobin SS. Identifiers: Orphanet 232, Orphanet 275752, MedGen C0002895, MONDO:0011382, OMIM 603903.
Dominant beta-thalassemia. Also called: Beta-thalassemia, dominant inclusion body type. Identifiers: Orphanet 231226, Orphanet 848, MedGen C1858990, MONDO:0011381, OMIM 603902.
Erythrocytosis, familial, 6. Also called: ERYTHROCYTOSIS, BETA-GLOBIN TYPE; POLYCYTHEMIA, BETA-GLOBIN TYPE. Identifiers: MedGen C4693822, MONDO:0054801, OMIM 617980.
Heinz body anemia. Also called: Heinz body hemolytic anemia. Identifiers: Orphanet 178330, MedGen C0700299, MONDO:0007705, OMIM 140700, HP:0005511.
Malaria, susceptibility to. Identifiers: Orphanet 673, MedGen C1970028, MONDO:0021024, OMIM 611162.
Hereditary persistence of fetal hemoglobin. Identifiers: MedGen C0019025, MONDO:0020989, OMIM 141749.
HBB-related disorder. Also called: HBB-related condition; HBB-related disorders. Identifiers: MedGen CN239378.
Beta zero thalassemia. Identifiers: MedGen C0271980.
beta Thalassemia (BTHAL). Also called: Cooley's anemia; Erythroblastic anemia; Mediterranean anemia. Identifiers: Orphanet 848, MedGen C0005283, MONDO:0019402. Disease mechanism: loss of function.

Submissions 1 to 10 of 20:

Quest Diagnostics Nichols Institute San Juan Capistrano
Classification: Pathogenic. Last evaluated: 2025-11-05. Review status: criteria provided, single submitter. Criteria: Quest Diagnostics criteria. Collection method: clinical testing. Allele origin: unknown.
Comment: The HBB c.135del (p.Phe46Leufs*16) variant alters the translational reading frame of the HBB mRNA and causes the premature termination of HBB protein synthesis. This variant has been reported in the published literature in individuals affected with beta(0)-thalassemia (HbVar, and PMIDs: 6292840 (1982), 1986379 (1991), 25677748 (2015), 28670940 (2017), 39359944 (2024), 38708170 (2024)). The frequency of this variant in the general population (Genome Aggregation Database) is consistent with pathogenicity. Previous names for this variant include CD 44 (-C) and Frameshift 44 (-C). Based on the available information, this variant is classified as pathogenic.

Natera, Inc.
Classification: Pathogenic for Beta thalassemia. Last evaluated: 2025-10-13. Review status: criteria provided, single submitter. Criteria: Natera Variant Classification Schema (03/2026). Collection method: clinical testing. Allele origin: germline.
Comment: The c.135delC variant in HBB is a frameshift variant predicted to shift the reading frame beginning at codon 46 and leads to a stop codon 16 codons downstream. This variant is expected to result in nonsense mediated decay, truncation, or a dysfunctional protein product. This variant is rare in the general population with a frequency below the threshold expected for the associated phenotype(s). This variant has been observed in one or more individuals affected with the associated recessive disease, as either homozygous or compound heterozygous with a second variant (PMID: 10636742). Additionally, this variant has been observed to segregate in affected family members (PMID: 10636742). Given the available evidence, this variant is classified as Pathogenic.

CeGaT Center for Human Genetics Tuebingen
Classification: Pathogenic. Last evaluated: 2025-06-01. Review status: criteria provided, single submitter. Criteria: CeGaT Center For Human Genetics Tuebingen Variant Classification Criteria Version 2. Collection method: clinical testing. Allele origin: germline. Affected: yes. Observed: 1 variant allele.
Comment: HBB: PM3:Very Strong, PVS1, PM2, PP4

ARUP Laboratories, Molecular Genetics and Genomics, ARUP Laboratories
Classification: Pathogenic. Last evaluated: 2025-05-13. Review status: criteria provided, single submitter. Criteria: ARUP Molecular Germline Variant Investigation Process 2024. Collection method: clinical testing. Allele origin: germline.
Comment: The HBB c.135delC; p.Phe46LeufsTer16 variant (also known as Codon 44 (-C) or Phe45fs when numbered from the mature protein, rs80356820, HbVar ID: 854) is described in the literature in the homozygous and trans-heterozygous state in individuals affected with beta (0) thalassemia (Jalilian 2017, HbVar and references therein). It has also been reported in the heterozygous state in individuals affected with mild microcytic anemia (De Angioletti 2013, Han 2016, HbVar and references therein). This variant is found on only four chromosomes (4/251414 alleles) in the Genome Aggregation Database and is reported as pathogenic by multiple laboratories in ClinVar (Variation ID: 15415). This variant causes a frameshift by deleting a single nucleotide, so it is predicted to result in a truncated protein or mRNA subject to nonsense-mediated decay. Based on available information, this variant is considered to be pathogenic. References: Link to HbVar database: De Angioletti M et al. South-Italy beta0-thalassemia: a novel deletion not removing the gamma-globin silencing element and with 3' breakpoint in a hsRTVL-H element, associated with beta0-thalassemia and high levels of HbF. Haematologica. 2013 98(8):e98-e100. PMID: 23812938. Han L et al. Molecular Epidemiological Survey of Glucose-6-Phosphate Dehydrogenase Deficiency and Thalassemia in Uygur and Kazak Ethnic Groups in Xinjiang, Northwest China. Hemoglobin. 2016 Jun;40(3):179-86. PMID: 26950205. Jalilian M et al. The Frequency of HBB Mutations Among beta-Thalassemia Patients in Hamadan Province, Iran. Hemoglobin. 2017 Jan;41(1):61-64. PMID: 28391758.

Genomic Medicine Center of Excellence, King Faisal Specialist Hospital and Research Centre
Classification: Pathogenic for Malaria, susceptibility to. Last evaluated: 2024-12-17. Review status: criteria provided, single submitter. Criteria: ACMG Guidelines, 2015. Collection method: clinical testing. Allele origin: germline.

Blueprint Genetics
Classification: Pathogenic for HBB-related disorders. Last evaluated: 2024-09-24. Review status: criteria provided, single submitter. Criteria: ACMG Guidelines, 2015. Collection method: clinical testing. Allele origin: germline. Affected: yes. Observed: 4 variant alleles.

Fulgent Genetics
Classification: Pathogenic for Heinz body anemia; Hereditary persistence of fetal hemoglobin; Dominant beta-thalassemia; Hb SS disease; Malaria, susceptibility to; Beta-thalassemia HBB/LCRB; METHEMOGLOBINEMIA, BETA TYPE; Erythrocytosis, familial, 6. Last evaluated: 2024-05-03. Review status: criteria provided, single submitter. Criteria: ACMG Guidelines, 2015. Collection method: clinical testing. Allele origin: germline.

Labcorp Genetics (formerly Invitae), Labcorp
Classification: Pathogenic. Last evaluated: 2023-12-30. Review status: criteria provided, single submitter. Criteria: Invitae Variant Classification Sherloc (09022015). Collection method: clinical testing. Allele origin: germline.
Comment: This sequence change creates a premature translational stop signal (p.Phe46Leufs*16) in the HBB gene. It is expected to result in an absent or disrupted protein product. Loss-of-function variants in HBB are known to be pathogenic (PMID: 23637309). This variant is present in population databases (rs80356820, gnomAD 0.003%). This premature translational stop signal has been observed in individuals with beta thalasemia (PMID: 1986379, 23812938, 28391758, 28670940). This variant is also known as Codon 44 (-C). ClinVar contains an entry for this variant (Variation ID: 15415). For these reasons, this variant has been classified as Pathogenic.

Neuberg Centre For Genomic Medicine, NCGM
Classification: Pathogenic for Beta-thalassemia HBB/LCRB. Last evaluated: 2023-06-22. Review status: criteria provided, single submitter. Criteria: ACMG Guidelines, 2015. Collection method: clinical testing. Allele origin: germline. Inheritance: Autosomal recessive inheritance. Affected: yes.
Comment: The frameshift variant c.135del p.Phe46LeufsTer16 in HBB gene has been observed in multiple individuals with beta thalasemia Hussain et. al., 2017; Jalilian et. al., 2017; Hassan et. al., 2015. This variant is also known as Codon 44 -C. The observed variant has allele frequency of 0.001% in gnomAD exomes database. This variant has been submitted to the ClinVar database as Likely Pathogenic / Pathogenic multiple submitters. This variant causes a frameshift starting with codon Phenylalanine 46, changes this amino acid to Leucine residue, and creates a premature Stop codon at position 16 of the new reading frame, denoted p.Phe46LeufsTer16. It is expected to result in an absent or disrupted protein product. Loss-of-function variants in HBB are known to be pathogenic Thein SL. 2013. For these reasons, this variant has been classified as Pathogenic.

Laboratory for Molecular Medicine, Mass General Brigham Personalized Medicine
Classification: Pathogenic for beta Thalassemia. Last evaluated: 2022-11-03. Review status: criteria provided, single submitter. Criteria: ACMG Guidelines, 2015. Collection method: clinical testing. Allele origin: germline.
Comment: The p.Phe46LeufsX16 variant in HBB has been reported in individuals affected with beta thalassemia (and in the heterozygous state in individuals affected with mild microcytic anemia) (selected references: De Angioletti 2013 PMID: 23812938, Han 2016 PMID: 26950205, Jalilian 2017 PMID: 28391758). It has also been reported in ClinVar (Variation ID15415) and was absent from large population databases. This variant is predicted to cause a frameshift, which alters the protein’s amino acid sequence beginning at position 46 and leads to a premature termination codon 16 amino acids downstream. This alteration is then predicted to lead to a truncated or absent protein. Loss of function of the HBB gene is an established disease mechanism in autosomal recessive beta thalassemia. In summary, this variant meets criteria to be classified as pathogenic for autosomal recessive beta thalassemia. ACMG/AMP Criteria applied: PM2_Supporting, PVS1, PM3.